The following is an entry in ClinVar:

ClinVar aggregate classification (germline): Pathogenic (1 of 4 stars; one submission).

Conditions:
Osteogenesis imperfecta type I (OI1). Also called: Lobstein's Disease; Osteogenesis imperfecta type 1; Lobstein disease; Classic Non-deforming Osteogenesis Imperfecta with Blue Sclerae; OI, TYPE I; OSTEOGENESIS IMPERFECTA TARDA. Identifiers: Orphanet 216796, Orphanet 666, MedGen C0023931, MONDO:0008146, OMIM 166200. Disease mechanism: loss of function.

Submission:

Labcorp Genetics (formerly Invitae), Labcorp
Classification: Pathogenic for Osteogenesis imperfecta type I. Last evaluated: 2022-06-23. Review status: criteria provided, single submitter. Criteria: Invitae Variant Classification Sherloc (09022015). Collection method: clinical testing. Allele origin: germline.
Comment: For these reasons, this variant has been classified as Pathogenic. This variant disrupts the triple helix domain of COL1A1. Glycine residues within the Gly-Xaa-Yaa repeats of the triple helix domain are required for the structure and stability of fibrillar collagens (PMID: 7695699, 8218237, 19344236). In COL1A1, variants affecting these glycine residues are significantly enriched in individuals with disease (PMID: 9016532, 17078022) compared to the general population (ExAC). This variant has not been reported in the literature in individuals affected with COL1A1-related conditions. This variant is a gross deletion of the genomic region encompassing exon(s) 2-51 of the COL1A1 gene, which includes the termination codon. This deletion extends beyond the assayed region for this gene and therefore may encompass additional genes. While this deletion is not anticipated to lead to nonsense mediated decay, it is expected to alter mRNA translation or result in a truncated protein product.

Literature cited by the submitters: PubMed 7695699; PubMed 8218237; PubMed 19344236; PubMed 9016532; PubMed 17078022.

NC_000017.10:g.(?_48252598)_(48277328_?)del

Genes: COL1A1 (collagen type I alpha 1 chain; minus strand), SGCA (sarcoglycan alpha; plus strand). Cytogenetic location: 17q21.33.
Variant type: Deletion.
Identifiers: ClinVar variation 2422331 (VCV002422331.4).